The following is an entry in ClinVar:

ClinVar aggregate classification (germline): Likely benign. Review status: criteria provided, multiple submitters, no conflicts (2 of 4 stars). 3 submissions from 3 submitters: Likely benign (3). Last evaluated 2026-01-19.

Conditions:
MEGF10-related myopathy (CMYO10A). Also called: Congenital myopathy 10A, severe variant. Identifiers: Orphanet 439212, MedGen C3280679, MONDO:0013731, OMIM 614399.

Allele frequency attached by ClinVar (database versions not stated): ExAC 0.00013; gnomAD exomes 0.00016 and 0.00021; ESP Exome Variant Server 0.00008; gnomAD 0.00017; TOPMed 0.00018.
gnomAD v4.1: 326 of 1,612,612 alleles (0.02%); highest among the groups gnomAD compares: Non-Finnish European, 0.026%; 1 homozygote.

Submissions (3):

Labcorp Genetics (formerly Invitae), Labcorp
Classification: Likely benign for MEGF10-related myopathy. Last evaluated: 2026-01-19. Review status: criteria provided, single submitter. Criteria: Invitae Variant Classification Sherloc (09022015). Collection method: clinical testing. Allele origin: germline.

Blueprint Genetics
Classification: Likely benign. Last evaluated: 2023-08-09. Review status: criteria provided, single submitter. Criteria: ACMG Guidelines, 2015. Collection method: clinical testing. Allele origin: germline.

GeneDx
Classification: Likely benign. Last evaluated: 2018-02-07. Review status: criteria provided, single submitter. Criteria: GeneDx Variant Classification (06012015). Collection method: clinical testing. Allele origin: germline. Affected: yes.
Comment: This variant is considered likely benign or benign based on one or more of the following criteria: it is a conservative change, it occurs at a poorly conserved position in the protein, it is predicted to be benign by multiple in silico algorithms, and/or has population frequency not consistent with disease.

NM_001256545.2(MEGF10):c.2980+16G>A

Gene: MEGF10 (multiple EGF like domains 10; plus strand). Cytogenetic location: 5q23.2.
Variant type: single nucleotide variant.
Coding change: c.2980+16G>A on transcript NM_001256545.2 (MANE Select); 16 bases into the intron after coding-DNA position 2980, G replaced by A.
Molecular consequence: intron variant.
Genome position (GRCh38, 1-based): chr5:127,449,238, G>A. VCF-style: chr5-127449238-G-A. GRCh37 (hg19) VCF-style: chr5-126784930-G-A.
Other names: c.2980+16G>A (NM_032446.3).
Identifiers: ClinVar variation 515327 (VCV000515327.10), dbSNP rs374003413, ClinGen allele CA3392085.
Genomic context (GRCh38, chr5:127,449,238, plus strand): 5'-CATTGCCGGCTGACTGGAAACATGGCGGCTACCTCAACGAGCTCGGTGAGTTCTCCCAAC[G>A]CACGTCCCCAGAAGCACCTTGACCTGTCAGTCCCTGAAACAGTCACGGATCTCTGTTTGT-3'